The following is an entry in ClinVar:

NM_001844.5(COL2A1):c.610G>C (p.Gly204Arg)

Gene: COL2A1 (collagen type II alpha 1 chain; minus strand). Cytogenetic location: 12q13.11.
Variant type: single nucleotide variant.
Coding change: c.610G>C on transcript NM_001844.5 (MANE Select); coding-DNA position 610, G replaced by C.
Protein change: p.Gly204Arg; replaces glycine 204 with arginine.
Molecular consequence: missense variant.
Genome position (GRCh38, 1-based): chr12:47,995,919, C>G on the plus strand (G>C on the coding strand, the complement: COL2A1 is on the minus strand). VCF-style: chr12-47995919-C-G. GRCh37 (hg19) VCF-style: chr12-48389702-C-G.
Other names: c.403G>C, p.Gly135Arg (NM_033150.3); short protein forms G204R, G135R.
Identifiers: ClinVar variation 1505537 (VCV001505537.5), dbSNP rs2136619174, ClinGen allele CA384523988.

ClinVar aggregate classification (germline): Likely pathogenic (1 of 4 stars; one submission).

Submission:

Labcorp Genetics (formerly Invitae), Labcorp
Classification: Likely pathogenic. Last evaluated: 2024-07-31. Review status: criteria provided, single submitter. Criteria: Invitae Variant Classification Sherloc (09022015). Collection method: clinical testing. Allele origin: germline.
Comment: This sequence change replaces glycine, which is neutral and non-polar, with arginine, which is basic and polar, at codon 204 of the COL2A1 protein (p.Gly204Arg). This variant is not present in population databases (gnomAD no frequency). This variant has not been reported in the literature in individuals affected with COL2A1-related conditions. ClinVar contains an entry for this variant (Variation ID: 1505537). Experimental studies and prediction algorithms are not available or were not evaluated, and the functional significance of this variant is currently unknown. This variant disrupts the triple helix domain of COL2A1. Glycine residues within the Gly-Xaa-Yaa repeats of the triple helix domain are required for the structure and stability of fibrillar collagens (PMID: 7695699, 8218237, 19344236). In COL2A1, variants affecting these glycine residues are significantly enriched in individuals with disease (PMID: 9016532, 17078022) compared to the general population (ExAC). In summary, the currently available evidence indicates that the variant is pathogenic, but additional data are needed to prove that conclusively. Therefore, this variant has been classified as Likely Pathogenic.

Literature cited by the submitters: PubMed 7695699; PubMed 8218237; PubMed 19344236; PubMed 9016532; PubMed 17078022.